The following is an entry in ClinVar:

NM_003242.6(TGFBR2):c.469A>T (p.Asn157Tyr)

Gene: TGFBR2 (transforming growth factor beta receptor 2; plus strand). Cytogenetic location: 3p24.1.
Variant type: single nucleotide variant.
Coding change: c.469A>T on transcript NM_003242.6 (MANE Select); coding-DNA position 469, A replaced by T.
Protein change: p.Asn157Tyr; replaces asparagine 157 with tyrosine.
Molecular consequence: missense variant.
Genome position (GRCh38, 1-based): chr3:30,671,652, A>T. VCF-style: chr3-30671652-A-T. GRCh37 (hg19) VCF-style: chr3-30713144-A-T.
Other names: c.544A>T, p.Asn182Tyr (NM_001024847.3); c.652A>T, p.Asn218Tyr (NM_001407126.1); c.577A>T, p.Asn193Tyr (NM_001407127.1); c.496A>T, p.Asn166Tyr (NM_001407128.1); c.472A>T, p.Asn158Tyr (NM_001407129.1); c.469A>T, p.Asn157Tyr (NM_001407130.1); c.364A>T, p.Asn122Tyr (NM_001407132.1, NM_001407133.1, NM_001407134.1 and 2 more transcripts); c.184A>T, p.Asn62Tyr (NM_001407137.1); and 1 more; short protein forms N182Y, N157Y, N158Y, N193Y, N37Y, N122Y, N218Y, N62Y.
Identifiers: ClinVar variation 923372 (VCV000923372.7), dbSNP rs1203996192, ClinGen allele CA351807182.
Genomic context (GRCh38, chr3:30,671,652, plus strand): 5'-CCTACCACATCCAACTCCTTCTCTCCTTGTTTTGTTTCCCCATCAGAATATAACACCAGC[A>T]ATCCTGACTTGTTGCTAGTCATATTTCAAGTGACAGGCATCAGCCTCCTGCCACCACTGG-3'
Protein context (NP_003233.4, residues 147-167): IIFSEEYNTS[Asn157Tyr]PDLLLVIFQV

ClinVar aggregate classification (germline): Uncertain significance. Review status: criteria provided, multiple submitters, no conflicts (2 of 4 stars). 2 submissions from 2 submitters: Uncertain significance (2). Last evaluated 2024-07-03.

Conditions:
Familial thoracic aortic aneurysm and aortic dissection (TAAD). Also called: Thoracic aortic aneurysms and dissections. Identifiers: Orphanet 91387, MedGen C4707243, MONDO:0019625.

Allele frequency attached by ClinVar (database versions not stated): gnomAD exomes below 0.00001 and 0.00001; TOPMed below 0.00001.
gnomAD v4.1: 1 of 1,614,204 alleles (0.000062%); highest among the groups gnomAD compares: East Asian, 0.0022%; no homozygotes.

Submissions (2):

Labcorp Genetics (formerly Invitae), Labcorp
Classification: Uncertain significance for Familial thoracic aortic aneurysm and aortic dissection. Last evaluated: 2024-07-03. Review status: criteria provided, single submitter. Criteria: Invitae Variant Classification Sherloc (09022015). Collection method: clinical testing. Allele origin: germline.
Comment: This sequence change replaces asparagine, which is neutral and polar, with tyrosine, which is neutral and polar, at codon 157 of the TGFBR2 protein (p.Asn157Tyr). This variant is present in population databases (no rsID available, gnomAD 0.01%). This variant has not been reported in the literature in individuals affected with TGFBR2-related conditions. ClinVar contains an entry for this variant (Variation ID: 923372). Advanced modeling of protein sequence and biophysical properties (such as structural, functional, and spatial information, amino acid conservation, physicochemical variation, residue mobility, and thermodynamic stability) has been performed at Invitae for this missense variant, however the output from this modeling did not meet the statistical confidence thresholds required to predict the impact of this variant on TGFBR2 protein function. In summary, the available evidence is currently insufficient to determine the role of this variant in disease. Therefore, it has been classified as a Variant of Uncertain Significance.

Color Diagnostics, LLC DBA Color Health
Classification: Uncertain significance for Familial thoracic aortic aneurysm and aortic dissection. Last evaluated: 2024-03-06. Review status: criteria provided, single submitter. Criteria: ACMG Guidelines, 2015. Collection method: clinical testing. Allele origin: germline.
Comment: This missense variant replaces asparagine with tyrosine at codon 182 of the TGFBR2 protein. Computational prediction suggests that this variant may not impact protein structure and function (internally defined REVEL score threshold <= 0.5, PMID: 27666373). Splice site prediction tools suggest that this variant may not impact RNA splicing. To our knowledge, functional studies have not been performed for this variant. This variant has not been reported in individuals affected with cardiovascular disorders in the literature. This variant has been identified in 2/251312 chromosomes in the general population by the Genome Aggregation Database (gnomAD). The available evidence is insufficient to determine the role of this variant in disease conclusively. Therefore, this variant is classified as a Variant of Uncertain Significance.